The following is an entry in ClinVar:

ClinVar aggregate classification (germline): Conflicting classifications of pathogenicity. Review status: criteria provided, conflicting classifications (1 of 4 stars). 6 submissions from 5 submitters: Uncertain significance (5); Benign (1). Last evaluated 2025-11-11.

Conditions:
Adams-Oliver syndrome 5 (AOS5). Identifiers: Orphanet 974, MedGen C4014970, MONDO:0014459, OMIM 616028.
Aortic valve disease 1 (AOVD1). Identifiers: MedGen C3887892, MONDO:0024523, OMIM 109730.
Familial thoracic aortic aneurysm and aortic dissection (TAAD). Also called: Thoracic aortic aneurysms and dissections. Identifiers: Orphanet 91387, MedGen C4707243, MONDO:0019625.

Allele frequency attached by ClinVar (database versions not stated): gnomAD 0.00001; ExAC 0.00002; gnomAD exomes 0.00002; TOPMed 0.00002; ESP Exome Variant Server 0.00008.

Submissions (6):

Labcorp Genetics (formerly Invitae), Labcorp
Classification: Benign for Adams-Oliver syndrome 5. Last evaluated: 2025-11-11. Review status: criteria provided, single submitter. Criteria: Invitae Variant Classification Sherloc (09022015). Collection method: clinical testing. Allele origin: germline.

GeneDx
Classification: Uncertain significance. Last evaluated: 2023-08-31. Review status: criteria provided, single submitter. Criteria: GeneDx Variant Classification Process June 2021. Collection method: clinical testing. Allele origin: germline. Affected: yes.
Comment: Has been reported in an individual with Bicuspid Aortic Valve (BAV) (Dargis et al., 2016); Not observed at significant frequency in large population cohorts (gnomAD); In silico analysis supports that this missense variant has a deleterious effect on protein structure/function; This variant is associated with the following publications: (PMID: 26708639)

Genome-Nilou Lab
Classification: Uncertain significance for Adams-Oliver syndrome 5. Last evaluated: 2022-03-15. Review status: criteria provided, single submitter. Criteria: ACMG Guidelines, 2015. Collection method: clinical testing. Allele origin: germline. Affected: no.

Genome-Nilou Lab
Classification: Uncertain significance for Aortic valve disease 1. Last evaluated: 2022-03-15. Review status: criteria provided, single submitter. Criteria: ACMG Guidelines, 2015. Collection method: clinical testing. Allele origin: germline. Affected: no.

Fulgent Genetics
Classification: Uncertain significance for Aortic valve disease 1; Adams-Oliver syndrome 5. Last evaluated: 2018-10-31. Review status: criteria provided, single submitter. Criteria: ACMG Guidelines, 2015. Collection method: clinical testing. Allele origin: unknown.

Ambry Genetics
Classification: Uncertain significance for Familial thoracic aortic aneurysm and aortic dissection. Last evaluated: 2016-03-09. Review status: criteria provided, single submitter. Criteria: Ambry Variant Classification Scheme 2023. Collection method: clinical testing. Allele origin: germline.
Comment: The p.T1491M variant (also known as c.4472C>T), located in coding exon 25 of the NOTCH1 gene, results from a C to T substitution at nucleotide position 4472. The threonine at codon 1491 is replaced by methionine, an amino acid with some similar properties. This alteration has been reported in one patient with bicuspid aortic valve (BAV) (Dargis N, Am. J. Cardiol. 2016 Feb; 117(3):420-6). This variant was previously reported in the SNPDatabase as rs369915496. Based on data from ExAC, the T allele has an overall frequency of less than 0.01% (2/103014). Based on data from the NHLBI Exome Sequencing Project (ESP), the T allele has an overall frequency of approximately 0.01% (1/12820) total alleles studied and 0.01% (1/8502) European American alleles. This amino acid position is poorly conserved in available vertebrate species. In addition, this alteration is predicted to be tolerated by in silico analysis. Since supporting evidence is limited at this time, the clinical significance of this alteration remains unclear.

Literature cited by the submitters: PubMed 26708639 (cited by Ambry Genetics).

NM_017617.5(NOTCH1):c.4472C>T (p.Thr1491Met)

Gene: NOTCH1 (notch receptor 1; minus strand). Cytogenetic location: 9q34.3.
Variant type: single nucleotide variant.
Coding change: c.4472C>T on transcript NM_017617.5 (MANE Select); coding-DNA position 4472, C replaced by T.
Protein change: p.Thr1491Met; replaces threonine 1491 with methionine.
Molecular consequence: missense variant.
Genome position (GRCh38, 1-based): chr9:136,505,424, G>A on the plus strand (C>T on the coding strand, the complement: NOTCH1 is on the minus strand). VCF-style: chr9-136505424-G-A. GRCh37 (hg19) VCF-style: chr9-139399876-G-A.
Other names: c.4472C>T, p.Thr1491Met (LRG_1122t1); short protein forms T1491M.
Identifiers: ClinVar variation 409060 (VCV000409060.21), dbSNP rs369915496, ClinGen allele CA5340609.